The following is an entry in ClinVar:

ClinVar aggregate classification (germline): Conflicting classifications of pathogenicity. Review status: criteria provided, conflicting classifications (1 of 4 stars). 4 submissions from 4 submitters: Uncertain significance (3); Likely benign (1). Last evaluated 2025-08-09.

Conditions:
Inborn genetic diseases. Identifiers: MedGen C0950123, MeSH D030342.

Allele frequency attached by ClinVar (database versions not stated): gnomAD 0.00030 and 0.00034; gnomAD exomes 0.00002 and 0.00006; ExAC 0.00009; TOPMed 0.00041; ESP Exome Variant Server 0.00031.
gnomAD v4.1: 73 of 1,612,394 alleles (0.0045%); highest among the groups gnomAD compares: African/African-American, 0.081%; 2 homozygotes.

Submissions (4):

Labcorp Genetics (formerly Invitae), Labcorp
Classification: Likely benign. Last evaluated: 2025-08-09. Review status: criteria provided, single submitter. Criteria: Invitae Variant Classification Sherloc (09022015). Collection method: clinical testing. Allele origin: germline.

Ambry Genetics
Classification: Uncertain significance for Inborn genetic diseases. Last evaluated: 2024-01-09. Review status: criteria provided, single submitter. Criteria: Ambry Variant Classification Scheme 2023. Collection method: clinical testing. Allele origin: germline.

Eurofins Ntd Llc (ga)
Classification: Uncertain significance. Last evaluated: 2018-06-20. Review status: criteria provided, single submitter. Criteria: EGL ClinVar v180209 classification definitions. Collection method: clinical testing. Allele origin: germline. Observed: 1 variant allele, 1 heterozygote.

Laboratory for Molecular Medicine, Mass General Brigham Personalized Medicine
Classification: Uncertain significance. Last evaluated: 2015-06-10. Review status: criteria provided, single submitter. Criteria: LMM Criteria. Collection method: clinical testing. Allele origin: germline. Observed: 1 variant allele.
Comment: The p.Ala140Asp variant in TSPEAR has not been previously reported in individual s with hearing loss, but has been identified in 8/9402 of African chromosomes by the Exome Aggregation Consortium (ExAC; dbSNP r s147904376). Although this variant has been seen in the general population, its frequency is not high enough to rule out a pathogenic role. Computational predi ction tools and conservation analysis suggest that the p.Ala140Asp variant may n ot impact the protein, though this information is not predictive enough to rule out pathogenicity. In summary, the clinical significance of the p.Ala140Asp vari ant is uncertain.

NM_144991.3(TSPEAR):c.419C>A (p.Ala140Asp)

Gene: TSPEAR (thrombospondin type laminin G domain and EAR repeats; minus strand). Cytogenetic location: 21q22.3.
Variant type: single nucleotide variant.
Coding change: c.419C>A on transcript NM_144991.3 (MANE Select); coding-DNA position 419, C replaced by A.
Protein change: p.Ala140Asp; replaces alanine 140 with aspartic acid.
Molecular consequence: missense variant.
Genome position (GRCh38, 1-based): chr21:44,533,808, G>T on the plus strand (C>A on the coding strand, the complement: TSPEAR is on the minus strand). VCF-style: chr21-44533808-G-T. GRCh37 (hg19) VCF-style: chr21-45953691-G-T.
Other names: c.215C>A, p.Ala72Asp (NM_001272037.2); short protein forms A140D, A72D.
Identifiers: ClinVar variation 229379 (VCV000229379.13), dbSNP rs147904376, ClinGen allele CA10057023.